The following is an entry in ClinVar:

NM_001267550.2(TTN):c.22907del (p.Pro7636fs)

Gene: TTN (titin; minus strand). Cytogenetic location: 2q31.2.
Variant type: Deletion.
Coding change: c.22907del on transcript NM_001267550.2 (MANE Select); coding-DNA position 22907, one base deleted (C; older notation c.22907delC).
Protein change: p.Pro7636fs; shifts the reading frame from proline 7636.
Molecular consequence: frameshift variant. On other transcripts: intron variant (3).
Genome position (GRCh38, 1-based): chr2:178,721,112, G deleted on the plus strand (C on the coding strand, the reverse complement: TTN is on the minus strand); the first of 4 consecutive G bases (chr2:178,721,112-178,721,115); deleting any one gives the same sequence. VCF-style (leftmost placement, unchanged base first): chr2-178721111-TG-T. GRCh37 (hg19) VCF-style: chr2-179585838-TG-T.
Other names: c.21956del, p.Pro7319fs (NM_001256850.1); c.19175del, p.Pro6392fs (NM_133378.4); c.13282+16970del (NM_003319.4); c.13858+16970del (NM_133437.4); c.13657+16970del (NM_133432.3); short protein forms P6392fs, P7636fs, P7319fs.
Identifiers: ClinVar variation 1045109 (VCV001045109.9), dbSNP rs2078291953, ClinGen allele CA1310593585.

ClinVar aggregate classification (germline): Likely pathogenic (1 of 4 stars; one submission).

Conditions:
Dilated cardiomyopathy 1G (CMD1G). Identifiers: Orphanet 154, MedGen C1858763, MONDO:0011400, OMIM 604145.
Autosomal recessive limb-girdle muscular dystrophy type 2J (LGMDR10). Also called: Limb-girdle muscular dystrophy, type 2J; MUSCULAR DYSTROPHY, LIMB-GIRDLE, AUTOSOMAL RECESSIVE 10. Identifiers: Orphanet 140922, MedGen C1837342, MONDO:0012127, OMIM 608807.

Submission:

Labcorp Genetics (formerly Invitae), Labcorp
Classification: Likely pathogenic for Dilated cardiomyopathy 1G; Autosomal recessive limb-girdle muscular dystrophy type 2J. Last evaluated: 2024-10-18. Review status: criteria provided, single submitter. Criteria: Invitae Variant Classification Sherloc (09022015). Collection method: clinical testing. Allele origin: germline.
Comment: This sequence change creates a premature translational stop signal (p.Pro7636Glnfs*61) in the TTN gene. While this is not anticipated to result in nonsense mediated decay, it is expected to create a truncated TTN protein. This variant is not present in population databases (gnomAD no frequency). This variant has not been reported in the literature in individuals affected with TTN-related conditions. ClinVar contains an entry for this variant (Variation ID: 1045109). This variant is located in the I band of TTN (PMID: 25589632). Truncating variants in this region have been reported in individuals affected with autosomal recessive centronuclear myopathy (PMID: 23975875, internal data). Truncating variants in this region have also been identified in individuals affected with autosomal dominant dilated cardiomyopathy and/or cardio-related conditions (PMID: 27869827, 32964742, internal data). In summary, the currently available evidence indicates that the variant is pathogenic, but additional data are needed to prove that conclusively. Therefore, this variant has been classified as Likely Pathogenic.

Literature cited by the submitters: PubMed 25589632; PubMed 23975875; PubMed 27869827; PubMed 32964742.